The following is an entry in ClinVar:

NM_000263.4(NAGLU):c.418T>A (p.Tyr140Asn)

Gene: NAGLU (N-acetyl-alpha-glucosaminidase; plus strand). Cytogenetic location: 17q21.2.
Variant type: single nucleotide variant.
Coding change: c.418T>A on transcript NM_000263.4 (MANE Select); coding-DNA position 418, T replaced by A.
Protein change: p.Tyr140Asn; replaces tyrosine 140 with asparagine.
Molecular consequence: missense variant.
Genome position (GRCh38, 1-based): chr17:42,537,432, T>A. VCF-style: chr17-42537432-T-A. GRCh37 (hg19) VCF-style: chr17-40689450-T-A.
Other names: short protein forms Y140N.
Identifiers: ClinVar variation 1481925 (VCV001481925.6), dbSNP rs2092909557, ClinGen allele CA399598057.

ClinVar aggregate classification (germline): Likely pathogenic (1 of 4 stars; one submission).

Conditions:
Mucopolysaccharidosis, MPS-III-B (MPS3B). Also called: N-ACETYL-ALPHA-D-GLUCOSAMINIDASE DEFICIENCY; NAGLU DEFICIENCY; SANFILIPPO SYNDROME B; MPS III B; MPS IIIB (Sanfilippo Syndrome Type B); MUCOPOLYSACCHARIDOSIS, TYPE IIIB. Identifiers: Orphanet 79270, MedGen C0086648, MONDO:0009656, OMIM 252920.
Charcot-Marie-Tooth disease axonal type 2V. Also called: CHARCOT-MARIE-TOOTH NEUROPATHY, TYPE 2V; CHARCOT-MARIE-TOOTH DISEASE, AXONAL, AUTOSOMAL DOMINANT, TYPE 2V. Identifiers: Orphanet 447964, MedGen C5569050, MONDO:0014665, OMIM 616491.

Allele frequency attached by ClinVar (database versions not stated): gnomAD exomes below 0.00001; gnomAD 0.00001.
gnomAD v4.1: 4 of 1,614,112 alleles (0.00025%); highest among the groups gnomAD compares: Non-Finnish European, 0.00034%; no homozygotes.

Submission:

Labcorp Genetics (formerly Invitae), Labcorp
Classification: Likely pathogenic for Charcot-Marie-Tooth disease axonal type 2V; Mucopolysaccharidosis, MPS-III-B. Last evaluated: 2021-11-13. Review status: criteria provided, single submitter. Criteria: Invitae Variant Classification Sherloc (09022015). Collection method: clinical testing. Allele origin: germline.
Comment: In summary, the currently available evidence indicates that the variant is pathogenic, but additional data are needed to prove that conclusively. Therefore, this variant has been classified as Likely Pathogenic. This variant disrupts the p.Tyr140 amino acid residue in NAGLU. Other variant(s) that disrupt this residue have been determined to be pathogenic (PMID: 9443875, 9443878, 9950362, 11153910, 14984474, 26907177). This suggests that this residue is clinically significant, and that variants that disrupt this residue are likely to be disease-causing. Advanced modeling of protein sequence and biophysical properties (such as structural, functional, and spatial information, amino acid conservation, physicochemical variation, residue mobility, and thermodynamic stability) performed at Invitae indicates that this missense variant is expected to disrupt NAGLU protein function. This variant has not been reported in the literature in individuals affected with NAGLU-related conditions. This variant is not present in population databases (gnomAD no frequency). This sequence change replaces tyrosine, which is neutral and polar, with asparagine, which is neutral and polar, at codon 140 of the NAGLU protein (p.Tyr140Asn).

Literature cited by the submitters: PubMed 9443875; PubMed 9443878; PubMed 9950362; PubMed 11153910; PubMed 14984474; PubMed 26907177.